The following is an entry in ClinVar:

NM_014956.5(CEP164):c.1047G>A (p.Glu349=)

Gene: CEP164 (centrosomal protein 164; plus strand). Cytogenetic location: 11q23.3.
Variant type: single nucleotide variant.
Coding change: c.1047G>A on transcript NM_014956.5 (MANE Select); coding-DNA position 1047, G replaced by A.
Protein change: p.Glu349=; no amino-acid change (glutamic acid 349 retained).
Molecular consequence: synonymous variant.
Genome position (GRCh38, 1-based): chr11:117,371,361, G>A. VCF-style: chr11-117371361-G-A. GRCh37 (hg19) VCF-style: chr11-117242077-G-A.
Other names: c.1047G>A, p.Glu349= (NM_001271933.2); c.1047G>A (NM_014956.4).
Identifiers: ClinVar variation 1582635 (VCV001582635.9), dbSNP rs777528550, ClinGen allele CA6294632.

ClinVar aggregate classification (germline): Likely benign. Review status: criteria provided, multiple submitters, no conflicts (2 of 4 stars). 2 submissions from 2 submitters: Likely benign (2). Last evaluated 2025-11-24.

Conditions:
Nephronophthisis 15 (NPHP15). Identifiers: Orphanet 3156, MedGen C3541853, MONDO:0013917, OMIM 614845.
CEP164-related disorder. Also called: CEP164-related condition.

Allele frequency attached by ClinVar (database versions not stated): gnomAD exomes below 0.00001 and 0.00001; TOPMed below 0.00001; ExAC 0.00001.
gnomAD v4.1: 3 of 1,614,216 alleles (0.00019%); highest among the groups gnomAD compares: South Asian, 0.0022%; no homozygotes.

Submissions (2):

Labcorp Genetics (formerly Invitae), Labcorp
Classification: Likely benign for Nephronophthisis 15. Last evaluated: 2025-11-24. Review status: criteria provided, single submitter. Criteria: Invitae Variant Classification Sherloc (09022015). Collection method: clinical testing. Allele origin: germline.

PreventionGenetics, part of Exact Sciences
Classification: Likely benign for CEP164-related condition. Last evaluated: 2025-01-08. Review status: criteria provided, single submitter. Criteria: ACMG Guidelines, 2015. Collection method: clinical testing. Allele origin: germline.
Comment: This variant is classified as likely benign based on ACMG/AMP sequence variant interpretation guidelines (Richards et al. 2015 PMID: 25741868, with internal and published modifications).